The following is an entry in ClinVar:

ClinVar aggregate classification (germline): Conflicting classifications of pathogenicity. Review status: criteria provided, conflicting classifications (1 of 4 stars). 11 submissions from 11 submitters: Pathogenic (2); Likely pathogenic (8); Uncertain significance (1). Last evaluated 2026-08-17.

Conditions:
Ichthyosis, congenital, autosomal recessive 13. Identifiers: MedGen C4539772, MONDO:0033092, OMIM 617574.
Ichthyosis and erythrokeratoderma.
Lamellar ichthyosis. Identifiers: Orphanet 313, MedGen C5848247, MONDO:0017778.
SDR9C7-related disorder. Also called: SDR9C7-related condition.

Allele frequency attached by ClinVar (database versions not stated): 1000 Genomes Project 30x 0.00016; 1000 Genomes Project 0.00020; ESP Exome Variant Server 0.00038; ExAC 0.00043; gnomAD exomes 0.00045 and 0.00061; gnomAD 0.00056 and 0.00058; TOPMed 0.00071.
gnomAD v4.1: 970 of 1,614,020 alleles (0.06%); highest among the groups gnomAD compares: Non-Finnish European, 0.076%; no homozygotes.

Submissions (11):

PreventionGenetics, part of Exact Sciences
Classification: Likely pathogenic for SDR9C7-related condition. Last evaluated: 2026-08-17. Review status: criteria provided, single submitter. Criteria: ACMG Guidelines, 2015. Collection method: clinical testing. Allele origin: germline.
Comment: The SDR9C7 c.551A>G variant is predicted to result in the amino acid substitution p.Asp184Gly. This variant has been reported in the homozygous or compound heterozygous state in individuals with autosomal recessive ichthyosis (See for example: Table S1, Frommherz et al. 2021. PubMed ID: 34273205; Mazereeuw-Hautier et al. 2020. PubMed ID: 31633189; Table S5, Seidl-Philipp et al. 2019. PubMed ID: 31642606). This variant is consistently interpreted as pathogenic or likely pathogenic in ClinVar (ClinVar ID: 807680). This variant is reported in 0.094% of alleles in individuals of European (Non-Finnish) descent in gnomAD. This variant is interpreted as likely pathogenic.

GeneDx
Classification: Likely pathogenic. Last evaluated: 2026-02-06. Review status: criteria provided, single submitter. Criteria: GeneDx Variant Classification Process June 2021. Collection method: clinical testing. Allele origin: germline. Affected: yes.
Comment: Observed in the apparent homozygous state, or with a second SDR9C7 variant, in multiple unrelated individuals with ichthyosis referred for genetic testing at GeneDx and reported in the published literature (PMID: 28906551, 31633189, 34273205, 35822528); In silico analysis supports that this missense variant has a deleterious effect on protein structure/function; This variant is associated with the following publications: (PMID: 28906551, 31633189, 33422619, 34273205, 35822528, 31012992)

Labcorp Genetics (formerly Invitae), Labcorp
Classification: Likely pathogenic. Last evaluated: 2026-01-05. Review status: criteria provided, single submitter. Criteria: Invitae Variant Classification Sherloc (09022015). Collection method: clinical testing. Allele origin: germline.
Comment: This sequence change replaces aspartic acid, which is acidic and polar, with glycine, which is neutral and non-polar, at codon 184 of the SDR9C7 protein (p.Asp184Gly). This variant is present in population databases (rs138435128, gnomAD 0.1%), and has an allele count higher than expected for a pathogenic variant. This missense change has been observed in individuals with clinical features of congenital ichthyosis (PMID: 28906551, 31012992, 31633189, 34273205, 35822528; internal data). It has also been observed to segregate with disease in related individuals. ClinVar contains an entry for this variant (Variation ID: 807680). Invitae Evidence Modeling of protein sequence and biophysical properties (such as structural, functional, and spatial information, amino acid conservation, physicochemical variation, residue mobility, and thermodynamic stability) has been performed for this missense variant. However, the output from this modeling did not meet the statistical confidence thresholds required to predict the impact of this variant on SDR9C7 protein function. In summary, the currently available evidence indicates that the variant is pathogenic, but additional data are needed to prove that conclusively. Therefore, this variant has been classified as Likely Pathogenic.

Genetics Laboratory, Great Ormond Street Hospital NHS Foundation Trust, North Thames Genomic Laboratory Hub
Classification: Uncertain significance for Ichthyosis and erythrokeratoderma. Last evaluated: 2025-08-11. Review status: criteria provided, single submitter. Criteria: ACGS Best Practice Guidelines for Variant Classification in Rare Disease 2024 v1.2. Collection method: clinical testing. Allele origin: germline. Affected: yes.
Comment: PP3_supporting, PM3_strong

Dasa
Classification: Likely pathogenic. Last evaluated: 2024-05-07. Review status: criteria provided, single submitter. Criteria: DASA Assertion Criteria. Collection method: clinical testing. Allele origin: germline.
Comment: NM_148897.3(SDR9C7):c.551A>G (p.Asp184Gly) is a missense variant that results in the substitution of aspartic acid with glycine. This variant has been recurrently observed in individuals with related phenotype (PMID: 31633189; PMID: 35822528; PMID: 28906551; PMID: 31012992). Segregation evidence has been reported in affected families. Multiple computational predictions support a deleterious effect on the gene or gene product. The variant is present at low frequency in population datasets. Based on the available data, this variant is classified as likely pathogenic.

Fulgent Genetics
Classification: Likely pathogenic for Ichthyosis, congenital, autosomal recessive 13. Last evaluated: 2024-04-29. Review status: criteria provided, single submitter. Criteria: ACMG Guidelines, 2015. Collection method: clinical testing. Allele origin: germline.

Department of Pathology and Laboratory Medicine, Sinai Health System
Classification: Likely pathogenic for Ichthyosis, congenital, autosomal recessive 13. Last evaluated: 2023-08-04. Review status: criteria provided, single submitter. Criteria: ACMG Guidelines, 2015. Collection method: research. Allele origin: germline.

Women's Health and Genetics/Laboratory Corporation of America, LabCorp
Classification: Likely pathogenic for Lamellar ichthyosis. Last evaluated: 2023-03-31. Review status: criteria provided, single submitter. Criteria: LabCorp Variant Classification Summary - May 2015. Collection method: clinical testing. Allele origin: germline.
Comment: Variant summary: SDR9C7 c.551A>G (p.Asp184Gly) results in a non-conservative amino acid change in the encoded protein sequence. Five of five in-silico tools predict a damaging effect of the variant on protein function. Asp at position 184 is located in the neighbouring region of the motif Tyr-X-X-X-Lys, which is important for the catalytic mechanism of the SDR9C7 protein (Hotz_2018, Youssefian_2021). The variant allele was found at a frequency of 0.00045 in 250776 control chromosomes. The observed variant frequency is approximately 2 fold of the estimated maximal expected allele frequency for a pathogenic variant in SDR9C7 causing Lamellar Ichthyosis phenotype (0.00025), strongly suggesting that the variant is benign. c.551A>G has been reported in the literature in multiple compound heterozygous individuals affected with autosomal recessive congenital ichthyosis (Hotz_2018, Seidl-Philipp_2019, Mazereeuw-Hautier_2020, Youssefian_2021, Nagtzaam_2022). These data indicate that the variant is very likely to be associated with disease. To our knowledge, no experimental evidence demonstrating an impact on protein function has been reported. Four ClinVar submitters (evaluation after 2014) cite this variant pathogenic (n=2) and likely pathogenic (n=2). Based on the evidence outlined above, the variant was classified as likely pathogenic.

Institute of Human Genetics, University of Leipzig Medical Center
Classification: Likely pathogenic for Ichthyosis, congenital, autosomal recessive 13. Last evaluated: 2023-01-31. Review status: criteria provided, single submitter. Criteria: ACMG Guidelines, 2015. Collection method: clinical testing. Allele origin: unknown. Affected: yes.
Comment: This variant was identified as homozygous and identified as compound heterozygous with NM_148897.3:c.491G>A in another case. Criteria applied: PM3_STR, PM2_SUP, PP3

Institute of Human Genetics Munich, TUM University Hospital
Classification: Pathogenic for Ichthyosis, congenital, autosomal recessive 13. Last evaluated: 2020-01-16. Review status: criteria provided, single submitter. Criteria: Classification criteria August 2017. Collection method: clinical testing. Allele origin: germline. Inheritance: Autosomal recessive inheritance. Affected: yes. Observed: 1 compound heterozygote.

CeGaT Center for Human Genetics Tuebingen
Classification: Pathogenic. Last evaluated: 2019-11-01. Review status: criteria provided, single submitter. Criteria: CeGaT Center For Human Genetics Tuebingen Variant Classification Criteria Version 2. Collection method: clinical testing. Allele origin: germline. Affected: yes. Observed: 1 variant allele.

Literature cited by the submitters: PubMed 28906551 (cited by 3 submitters); PubMed 31012992 (cited by 3 submitters); PubMed 31633189 (cited by 3 submitters); PubMed 34273205 (cited by Labcorp Genetics (formerly Invitae), Labcorp); PubMed 35822528 (cited by 3 submitters); PubMed 31642606 (cited by Women's Health and Genetics/Laboratory Corporation of America, LabCorp); PubMed 33422619 (cited by Women's Health and Genetics/Laboratory Corporation of America, LabCorp).

NM_148897.3(SDR9C7):c.551A>G (p.Asp184Gly)

Gene: SDR9C7 (short chain dehydrogenase/reductase family 9C member 7; minus strand). Cytogenetic location: 12q13.3.
Variant type: single nucleotide variant.
Coding change: c.551A>G on transcript NM_148897.3 (MANE Select); coding-DNA position 551, A replaced by G.
Protein change: p.Asp184Gly; replaces aspartic acid 184 with glycine.
Molecular consequence: missense variant.
Genome position (GRCh38, 1-based): chr12:56,930,235, T>C on the plus strand (A>G on the coding strand, the complement: SDR9C7 is on the minus strand). VCF-style: chr12-56930235-T-C. GRCh37 (hg19) VCF-style: chr12-57324019-T-C.
Other names: short protein forms D184G.
Identifiers: ClinVar variation 807680 (VCV000807680.60), dbSNP rs138435128, ClinGen allele CA6638140.